The following is an entry in ClinVar:

NM_016341.4(PLCE1):c.2342T>C (p.Leu781Pro)

Gene: PLCE1 (phospholipase C epsilon 1; plus strand). Cytogenetic location: 10q23.33.
Variant type: single nucleotide variant.
Coding change: c.2342T>C on transcript NM_016341.4 (MANE Select); coding-DNA position 2342, T replaced by C.
Protein change: p.Leu781Pro; replaces leucine 781 with proline.
Molecular consequence: missense variant.
Genome position (GRCh38, 1-based): chr10:94,236,042, T>C. VCF-style: chr10-94236042-T-C. GRCh37 (hg19) VCF-style: chr10-95995799-T-C.
Other names: c.1418T>C, p.Leu473Pro (NM_001165979.2); c.2342T>C, p.Leu781Pro (NM_001288989.2); short protein forms L781P, L473P.
Identifiers: ClinVar variation 1418782 (VCV001418782.8), dbSNP rs201965980, ClinGen allele CA211600318.

ClinVar aggregate classification (germline): Uncertain significance. Review status: criteria provided, multiple submitters, no conflicts (2 of 4 stars). 2 submissions from 2 submitters: Uncertain significance (2). Last evaluated 2024-03-07.

Conditions:
Nephrotic syndrome, type 3 (NPHS3). Also called: NEPHROTIC SYNDROME, EARLY-ONSET, TYPE 3. Identifiers: Orphanet 656, MedGen C1853124, MONDO:0012546, OMIM 610725.

Allele frequency attached by ClinVar (database versions not stated): gnomAD exomes below 0.00001; TOPMed 0.00001; gnomAD 0.00002.
gnomAD v4.1: 11 of 1,614,004 alleles (0.00068%); highest among the groups gnomAD compares: Non-Finnish European, 0.00093%; no homozygotes.

Submissions (2):

Fulgent Genetics
Classification: Uncertain significance for Nephrotic syndrome, type 3. Last evaluated: 2024-03-07. Review status: criteria provided, single submitter. Criteria: ACMG Guidelines, 2015. Collection method: clinical testing. Allele origin: germline.

Labcorp Genetics (formerly Invitae), Labcorp
Classification: Uncertain significance. Last evaluated: 2021-12-08. Review status: criteria provided, single submitter. Criteria: Invitae Variant Classification Sherloc (09022015). Collection method: clinical testing. Allele origin: germline.
Comment: In summary, the available evidence is currently insufficient to determine the role of this variant in disease. Therefore, it has been classified as a Variant of Uncertain Significance. Algorithms developed to predict the effect of missense changes on protein structure and function are either unavailable or do not agree on the potential impact of this missense change (SIFT: "Deleterious"; PolyPhen-2: "Probably Damaging"; Align-GVGD: "Class C0"). This variant has not been reported in the literature in individuals affected with PLCE1-related conditions. This variant is present in population databases (rs201965980, gnomAD 0.002%). This sequence change replaces leucine, which is neutral and non-polar, with proline, which is neutral and non-polar, at codon 781 of the PLCE1 protein (p.Leu781Pro).